The following is an entry in ClinVar:

ClinVar aggregate classification (germline): Likely pathogenic (1 of 4 stars; one submission).

Submission:

CeGaT Center for Human Genetics Tuebingen
Classification: Likely pathogenic. Last evaluated: 2025-08-01. Review status: criteria provided, single submitter. Criteria: CeGaT Center For Human Genetics Tuebingen Variant Classification Criteria Version 2. Collection method: clinical testing. Allele origin: germline. Affected: yes. Observed: 1 variant allele.
Comment: MYORG: PVS1:Strong, PM2, PM3, PP4

NM_020702.5(MYORG):c.1394del (p.Gly465fs)

Gene: MYORG (myogenesis regulating glycosidase; minus strand). Cytogenetic location: 9p13.3.
Variant type: Deletion.
Coding change: c.1394del on transcript NM_020702.5 (MANE Select); coding-DNA position 1394, one base deleted (G; older notation c.1394delG).
Protein change: p.Gly465fs; shifts the reading frame from glycine 465.
Molecular consequence: frameshift variant.
Genome position (GRCh38, 1-based): chr9:34,371,550, C deleted on the plus strand (G on the coding strand, the reverse complement: MYORG is on the minus strand); the first of 3 consecutive C bases (chr9:34,371,550-34,371,552); deleting any one gives the same sequence. VCF-style (leftmost placement, unchanged base first): chr9-34371549-GC-G. GRCh37 (hg19) VCF-style: chr9-34371547-GC-G.
Other names: short protein forms G465fs.
Identifiers: ClinVar variation 4085074 (VCV004085074.8).